The following is an entry in ClinVar:

ClinVar aggregate classification (germline): Uncertain significance. Review status: criteria provided, single submitter (1 of 4 stars). 2 submissions from 2 submitters: Uncertain significance (1). 1 of the submissions does not count toward it. Last evaluated 2022-08-21.

Conditions:
NBAS-related disorder. Also called: NBAS-related condition.

Allele frequency attached by ClinVar (database versions not stated): TOPMed below 0.00001; ExAC 0.00001; gnomAD 0.00001.
gnomAD v4.1: 4 of 1,613,564 alleles (0.00025%); highest among the groups gnomAD compares: Admixed American, 0.0033%; no homozygotes.

Submissions (2):

Labcorp Genetics (formerly Invitae), Labcorp
Classification: Uncertain significance. Last evaluated: 2022-08-21. Review status: criteria provided, single submitter. Criteria: Invitae Variant Classification Sherloc (09022015). Collection method: clinical testing. Allele origin: germline.
Comment: This sequence change falls in intron 14 of the NBAS gene. It does not directly change the encoded amino acid sequence of the NBAS protein. It affects a nucleotide within the consensus splice site. This variant has not been reported in the literature in individuals affected with NBAS-related conditions. Variants that disrupt the consensus splice site are a relatively common cause of aberrant splicing (PMID: 17576681, 9536098). Algorithms developed to predict the effect of sequence changes on RNA splicing suggest that this variant is not likely to affect RNA splicing. In summary, the available evidence is currently insufficient to determine the role of this variant in disease. Therefore, it has been classified as a Variant of Uncertain Significance. This variant is present in population databases (rs766266318, gnomAD 0.009%).

PreventionGenetics, part of Exact Sciences
Classification: Likely benign for NBAS-related condition. Last evaluated: 2020-11-10. Review status: no assertion criteria provided. Collection method: clinical testing. Allele origin: germline. Not counted in ClinVar's aggregate classification.
Comment: This variant is classified as likely benign based on ACMG/AMP sequence variant interpretation guidelines (Richards et al. 2015 PMID: 25741868, with internal and published modifications).

Literature cited by the submitters: PubMed 17576681 (cited by Labcorp Genetics (formerly Invitae), Labcorp); PubMed 9536098 (cited by Labcorp Genetics (formerly Invitae), Labcorp).

NM_015909.4(NBAS):c.1341+6G>A

Gene: NBAS (NBAS subunit of NRZ tethering complex; minus strand). Cytogenetic location: 2p24.3.
Variant type: single nucleotide variant.
Coding change: c.1341+6G>A on transcript NM_015909.4 (MANE Select); 6 bases into the intron after coding-DNA position 1341, G replaced by A.
Molecular consequence: intron variant.
Genome position (GRCh38, 1-based): chr2:15,475,681, C>T on the plus strand (G>A on the coding strand, the complement: NBAS is on the minus strand). VCF-style: chr2-15475681-C-T. GRCh37 (hg19) VCF-style: chr2-15615805-C-T.
Other names: c.1341+6G>A (NM_015909.3).
Identifiers: ClinVar variation 2105364 (VCV002105364.6), dbSNP rs766266318, ClinGen allele CA1536718.